The following is an entry in ClinVar:

NM_000094.4(COL7A1):c.5309G>T (p.Gly1770Val)

Gene: COL7A1 (collagen type VII alpha 1 chain; minus strand). Cytogenetic location: 3p21.31.
Variant type: single nucleotide variant.
Coding change: c.5309G>T on transcript NM_000094.4 (MANE Select); coding-DNA position 5309, G replaced by T.
Protein change: p.Gly1770Val; replaces glycine 1770 with valine.
Molecular consequence: missense variant.
Genome position (GRCh38, 1-based): chr3:48,579,276, C>A on the plus strand (G>T on the coding strand, the complement: COL7A1 is on the minus strand). VCF-style: chr3-48579276-C-A. GRCh37 (hg19) VCF-style: chr3-48616709-C-A.
Other names: short protein forms G1770V.
Identifiers: ClinVar variation 2813760 (VCV002813760.3), dbSNP rs2531055112, ClinGen allele CA352676052.
Genomic context (GRCh38, chr3:48,579,276, plus strand): 5'-GCGGCTCCTGGTTTCCCATCCAGTCCGCTCCGGCCATCCAGCCCAGGGGGACCCCGGTCA[C>A]CCTGTGGAAAATAGAGTGGTAAGAGGCCACCAAGGCTGAGGTGGATCTGATAACCCAGGC-3'
Protein context (NP_000085.1, residues 1760-1780): PGVRGPAGEK[Gly1770Val]DRGPPGLDGR

ClinVar aggregate classification (germline): Pathogenic (1 of 4 stars; one submission).

Submission:

Labcorp Genetics (formerly Invitae), Labcorp
Classification: Pathogenic. Last evaluated: 2024-06-24. Review status: criteria provided, single submitter. Criteria: Invitae Variant Classification Sherloc (09022015). Collection method: clinical testing. Allele origin: germline.
Comment: This sequence change replaces glycine, which is neutral and non-polar, with valine, which is neutral and non-polar, at codon 1770 of the COL7A1 protein (p.Gly1770Val). This variant is not present in population databases (gnomAD no frequency). This missense change has been observed in individual(s) with autosomal dominant epidermolysis bullosa dystrophica (Invitae). It has also been observed to segregate with disease in related individuals. Experimental studies and prediction algorithms are not available or were not evaluated, and the functional significance of this variant is currently unknown. This variant disrupts the triple helix domain of COL7A1. Glycine residues within the Gly-Xaa-Yaa repeats of the triple helix domain are required for the structure and stability of fibrillar collagens (PMID: 7695699, 8218237, 19344236), and variants at these glycine residues in COL7A1 are more frequently observed in individuals with disease than in the general population (PMID: 22058051). However, the clinical significance of this observation remains uncertain since only a limited number of affected individuals have been described to date. This variant disrupts the p.Gly1770 amino acid residue in COL7A1. Other variant(s) that disrupt this residue have been determined to be pathogenic (PMID: 21448560). This suggests that this residue is clinically significant, and that variants that disrupt this residue are likely to be disease-causing. For these reasons, this variant has been classified as Pathogenic.

Literature cited by the submitters: PubMed 7695699; PubMed 8218237; PubMed 19344236; PubMed 22058051; PubMed 21448560.